The following is an entry in ClinVar:

ClinVar aggregate classification (germline): Uncertain significance (1 of 4 stars; one submission).

Submission:

Labcorp Genetics (formerly Invitae), Labcorp
Classification: Uncertain significance. Last evaluated: 2022-09-13. Review status: criteria provided, single submitter. Criteria: Invitae Variant Classification Sherloc (09022015). Collection method: clinical testing. Allele origin: germline.
Comment: In summary, the available evidence is currently insufficient to determine the role of this variant in disease. Therefore, it has been classified as a Variant of Uncertain Significance. Advanced modeling of protein sequence and biophysical properties (such as structural, functional, and spatial information, amino acid conservation, physicochemical variation, residue mobility, and thermodynamic stability) performed at Invitae indicates that this missense variant is expected to disrupt KCNJ13 protein function. This variant has not been reported in the literature in individuals affected with KCNJ13-related conditions. This variant is not present in population databases (gnomAD no frequency). This sequence change replaces leucine, which is neutral and non-polar, with arginine, which is basic and polar, at codon 253 of the KCNJ13 protein (p.Leu253Arg).

NM_002242.4(KCNJ13):c.758T>G (p.Leu253Arg)

Genes: GIGYF2 (GRB10 interacting GYF protein 2; plus strand), KCNJ13 (potassium inwardly rectifying channel subfamily J member 13; minus strand). Cytogenetic location: 2q37.1.
Variant type: single nucleotide variant.
Coding change: c.758T>G on transcript NM_002242.4 (MANE Select); coding-DNA position 758, T replaced by G.
Protein change: p.Leu253Arg; replaces leucine 253 with arginine.
Molecular consequence: missense variant. On other transcripts: 3 prime UTR variant (1), intron variant (4).
Genome position (GRCh38, 1-based): chr2:232,768,516, A>C on the plus strand (T>G on the coding strand, the complement: KCNJ13 is on the minus strand). VCF-style: chr2-232768516-A-C. GRCh37 (hg19) VCF-style: chr2-233633226-A-C.
Other names: c.*237T>G (NM_001172416.1); c.518T>G, p.Leu173Arg (NM_001172417.1); c.532+7080A>C (NM_001103146.3, NM_015575.4, NM_001103147.2 and 1 more transcripts); short protein forms L173R, L253R.
Identifiers: ClinVar variation 2022617 (VCV002022617.4), dbSNP rs2469802557, ClinGen allele CA351009266.